The following is an entry in ClinVar:

ClinVar aggregate classification (germline): Uncertain significance. Review status: criteria provided, multiple submitters, no conflicts (2 of 4 stars). 2 submissions from 2 submitters: Uncertain significance (2). Last evaluated 2025-08-25.

Allele frequency attached by ClinVar (database versions not stated): ExAC 0.00004; gnomAD exomes 0.00007 and 0.00016; ESP Exome Variant Server 0.00008; TOPMed 0.00009; gnomAD 0.00011.
gnomAD v4.1: 239 of 1,607,232 alleles (0.015%); highest among the groups gnomAD compares: Non-Finnish European, 0.02%; no homozygotes.

Submissions (2):

Ambry Genetics
Classification: Uncertain significance. Last evaluated: 2025-08-25. Review status: criteria provided, single submitter. Criteria: Ambry Variant Classification Scheme 2023. Collection method: clinical testing. Allele origin: germline.

Labcorp Genetics (formerly Invitae), Labcorp
Classification: Uncertain significance. Last evaluated: 2022-05-27. Review status: criteria provided, single submitter. Criteria: Invitae Variant Classification Sherloc (09022015). Collection method: clinical testing. Allele origin: germline.
Comment: In summary, the available evidence is currently insufficient to determine the role of this variant in disease. Therefore, it has been classified as a Variant of Uncertain Significance. Algorithms developed to predict the effect of missense changes on protein structure and function are either unavailable or do not agree on the potential impact of this missense change (SIFT: "Not Available"; PolyPhen-2: "Benign"; Align-GVGD: "Not Available"). This variant has not been reported in the literature in individuals affected with ADD3-related conditions. This variant is present in population databases (rs368066210, gnomAD 0.02%). This sequence change replaces serine, which is neutral and polar, with leucine, which is neutral and non-polar, at codon 3 of the ADD3 protein (p.Ser3Leu).

NM_016824.5(ADD3):c.8C>T (p.Ser3Leu)

Gene: ADD3 (adducin 3; plus strand). Cytogenetic location: 10q25.2.
Variant type: single nucleotide variant.
Coding change: c.8C>T on transcript NM_016824.5 (MANE Select); coding-DNA position 8, C replaced by T.
Protein change: p.Ser3Leu; replaces serine 3 with leucine.
Molecular consequence: missense variant. On other transcripts: 5 prime UTR variant (1).
Genome position (GRCh38, 1-based): chr10:110,100,661, C>T. VCF-style: chr10-110100661-C-T. GRCh37 (hg19) VCF-style: chr10-111860419-C-T.
Other names: c.8C>T, p.Ser3Leu (NM_001121.4, NM_001320591.2, NM_001320592.2 and 2 more transcripts); c.-281C>T (NM_001320594.2); c.8C>T (NM_016824.3); short protein forms S3L.
Identifiers: ClinVar variation 1400775 (VCV001400775.13), dbSNP rs368066210, ClinGen allele CA5686245.